The following is an entry in ClinVar:

ClinVar aggregate classification (germline): Pathogenic (1 of 4 stars; one submission).

Conditions:
EGFR-related lung cancer (EGFR). Identifiers: MedGen CN130014.

Submission:

Labcorp Genetics (formerly Invitae), Labcorp
Classification: Pathogenic for EGFR-related lung cancer. Last evaluated: 2025-08-09. Review status: criteria provided, single submitter. Criteria: Invitae Variant Classification Sherloc (09022015). Collection method: clinical testing. Allele origin: germline.
Comment: This sequence change creates a premature translational stop signal (p.Ile213Serfs*67) in the EGFR gene. It is expected to result in an absent or disrupted protein product. Loss-of-function variants in EGFR are known to be pathogenic (PMID: 7630400, 28726809, 29899996). This variant is not present in population databases (gnomAD no frequency). This variant has not been reported in the literature in individuals affected with EGFR-related conditions. For these reasons, this variant has been classified as Pathogenic.

Literature cited by the submitters: PubMed 7630400; PubMed 28726809; PubMed 29899996.

NM_005228.5(EGFR):c.637del (p.Ile213fs)

Gene: EGFR (epidermal growth factor receptor; plus strand). Cytogenetic location: 7p11.2.
Variant type: Deletion.
Coding change: c.637del on transcript NM_005228.5 (MANE Select); coding-DNA position 637, one base deleted (A; older notation c.637delA).
Protein change: p.Ile213fs; shifts the reading frame from isoleucine 213.
Molecular consequence: frameshift variant. On other transcripts: intron variant (1).
Genome position (GRCh38, 1-based): chr7:55,152,554, A deleted; the last of 4 consecutive A bases (chr7:55,152,551-55,152,554); deleting any one gives the same sequence. VCF-style (leftmost placement, unchanged base first): chr7-55152550-CA-C. GRCh37 (hg19) VCF-style: chr7-55220243-CA-C.
Other names: c.502del, p.Ile168fs (NM_001346897.2, NM_001346899.2); c.637del, p.Ile213fs (NM_001346898.2, NM_201282.2, NM_201283.2 and 1 more transcripts); c.478del, p.Ile160fs (NM_001346900.2); c.89-3276del (NM_001346941.2); short protein forms I213fs, I160fs, I168fs.
Identifiers: ClinVar variation 4725069 (VCV004725069.1).